The following is an entry in ClinVar:

ClinVar aggregate classification (germline): Conflicting classifications of pathogenicity. Review status: criteria provided, conflicting classifications (1 of 4 stars). 2 submissions from 2 submitters: Uncertain significance (1); Likely benign (1). Last evaluated 2025-09-08.

Conditions:
Noonan syndrome 9 (NS9). Identifiers: Orphanet 648, MedGen C4225282, MONDO:0014691, OMIM 616559.
Cardiovascular phenotype. Identifiers: MedGen CN230736.

gnomAD v4.1: 16 of 1,613,994 alleles (0.00099%); highest among the groups gnomAD compares: East Asian, 0.0045%; no homozygotes.

Submissions (2):

Ambry Genetics
Classification: Uncertain significance for Cardiovascular phenotype. Last evaluated: 2025-09-08. Review status: criteria provided, single submitter. Criteria: Ambry Variant Classification Scheme 2023. Collection method: clinical testing. Allele origin: germline.
Comment: The p.T1254M variant (also known as c.3761C>T), located in coding exon 23 of the SOS2 gene, results from a C to T substitution at nucleotide position 3761. The threonine at codon 1254 is replaced by methionine, an amino acid with similar properties. This amino acid position is conserved. In addition, this alteration is predicted to be tolerated by in silico analysis. Since supporting evidence is limited at this time, the clinical significance of this alteration remains unclear.

Labcorp Genetics (formerly Invitae), Labcorp
Classification: Likely benign for Noonan syndrome 9. Last evaluated: 2025-05-26. Review status: criteria provided, single submitter. Criteria: Invitae Variant Classification Sherloc (09022015). Collection method: clinical testing. Allele origin: germline.

NM_006939.4(SOS2):c.3761C>T (p.Thr1254Met)

Gene: SOS2 (SOS Ras/Rho guanine nucleotide exchange factor 2; minus strand). Cytogenetic location: 14q21.3.
Variant type: single nucleotide variant.
Coding change: c.3761C>T on transcript NM_006939.4 (MANE Select); coding-DNA position 3761, C replaced by T.
Protein change: p.Thr1254Met; replaces threonine 1254 with methionine.
Molecular consequence: missense variant.
Genome position (GRCh38, 1-based): chr14:50,118,582, G>A on the plus strand (C>T on the coding strand, the complement: SOS2 is on the minus strand). VCF-style: chr14-50118582-G-A. GRCh37 (hg19) VCF-style: chr14-50585300-G-A.
Other names: c.3662C>T, p.Thr1221Met (NM_001411020.1); short protein forms T1221M, T1254M.
Identifiers: ClinVar variation 2084826 (VCV002084826.7), dbSNP rs772587016, ClinGen allele CA260704073.